The following is an entry in ClinVar:

NM_000179.3(MSH6):c.3647-17A>C

Gene: MSH6 (mutS homolog 6; plus strand). Cytogenetic location: 2p16.3.
Variant type: single nucleotide variant.
Coding change: c.3647-17A>C on transcript NM_000179.3 (MANE Select); 17 bases into the intron before coding-DNA position 3647, A replaced by C.
Molecular consequence: intron variant.
Genome position (GRCh38, 1-based): chr2:47,806,187, A>C. VCF-style: chr2-47806187-A-C. GRCh37 (hg19) VCF-style: chr2-48033326-A-C.
Other names: c.3257-17A>C (NM_001281492.2); c.2741-17A>C (NM_001281494.2, NM_001281493.2).
Identifiers: ClinVar variation 919551 (VCV000919551.4), dbSNP rs767828284, ClinGen allele CA071715.

ClinVar aggregate classification (germline): Likely benign. Review status: criteria provided, multiple submitters, no conflicts (2 of 4 stars). 3 submissions from 3 submitters: Likely benign (3). Last evaluated 2025-06-25.

Conditions:
Lynch syndrome 5 (LYNCH5). Also called: Colorectal cancer, hereditary nonpolyposis, type 5; Hereditary non-polyposis colorectal cancer, type 5. Identifiers: Orphanet 144, MedGen C1833477, MONDO:0013710, OMIM 614350. Disease mechanism: loss of function.
Hereditary nonpolyposis colorectal neoplasms. Identifiers: MedGen C0009405, MeSH D003123.
Hereditary cancer-predisposing syndrome. Also called: Neoplastic Syndromes, Hereditary; Tumor predisposition; Hereditary Cancer Syndrome; Hereditary neoplastic syndrome. Identifiers: Orphanet 140162, MedGen C0027672, MeSH D009386, MONDO:0015356.

Allele frequency attached by ClinVar (database versions not stated): ExAC 0.00001.

Submissions (3):

Labcorp Genetics (formerly Invitae), Labcorp
Classification: Likely benign for Hereditary nonpolyposis colorectal neoplasms. Last evaluated: 2025-06-25. Review status: criteria provided, single submitter. Criteria: Invitae Variant Classification Sherloc (09022015). Collection method: clinical testing. Allele origin: germline.

Myriad Genetics, Inc.
Classification: Likely benign for Lynch syndrome 5. Last evaluated: 2025-01-07. Review status: criteria provided, single submitter. Criteria: Myriad Autosomal Dominant, Autosomal Recessive and X-Linked Classification Criteria (2023). Collection method: clinical testing. Allele origin: unknown.
Comment: This variant is considered likely benign. This variant is intronic and is not expected to impact mRNA splicing.

Color Diagnostics, LLC DBA Color Health
Classification: Likely benign for Hereditary cancer-predisposing syndrome. Last evaluated: 2017-09-24. Review status: criteria provided, single submitter. Criteria: ACMG Guidelines, 2015. Collection method: clinical testing. Allele origin: germline.